The following is an entry in ClinVar:

NM_003673.4(TCAP):c.49C>T (p.Arg17Cys)

Gene: TCAP (titin-cap; plus strand). Cytogenetic location: 17q12.
Variant type: single nucleotide variant.
Coding change: c.49C>T on transcript NM_003673.4 (MANE Select); coding-DNA position 49, C replaced by T.
Protein change: p.Arg17Cys; replaces arginine 17 with cysteine.
Molecular consequence: missense variant.
Genome position (GRCh38, 1-based): chr17:39,665,408, C>T. VCF-style: chr17-39665408-C-T. GRCh37 (hg19) VCF-style: chr17-37821661-C-T.
Other names: short protein forms R17C.
Identifiers: ClinVar variation 222830 (VCV000222830.16), dbSNP rs869025530, ClinGen allele CA352101.

ClinVar aggregate classification (germline): Uncertain significance. Review status: criteria provided, multiple submitters, no conflicts (2 of 4 stars). 5 submissions from 5 submitters: Uncertain significance (5). Last evaluated 2026-05-11.

Conditions:
Primary familial hypertrophic cardiomyopathy (HCM). Identifiers: Orphanet 99739, MedGen C0949658, MeSH D024741, MONDO:0024573. Inheritance: Various modes of inheritance.
Hypertrophic cardiomyopathy 25 (CMH25). Also called: CARDIOMYOPATHY, FAMILIAL HYPERTROPHIC, 25. Identifiers: MedGen C4225408, MONDO:0011843, OMIM 607487.
Cardiovascular phenotype. Identifiers: MedGen CN230736.

Allele frequency attached by ClinVar (database versions not stated): gnomAD 0.00001; gnomAD exomes 0.00001; TOPMed 0.00001.

Submissions (5):

Women's Health and Genetics/Laboratory Corporation of America, LabCorp
Classification: Uncertain significance. Last evaluated: 2026-05-11. Review status: criteria provided, single submitter. Criteria: LabCorp Variant Classification Summary - May 2015. Collection method: clinical testing. Allele origin: germline.

Labcorp Genetics (formerly Invitae), Labcorp
Classification: Uncertain significance for Hypertrophic cardiomyopathy 25; Primary familial hypertrophic cardiomyopathy. Last evaluated: 2025-08-06. Review status: criteria provided, single submitter. Criteria: Invitae Variant Classification Sherloc (09022015). Collection method: clinical testing. Allele origin: germline.
Comment: This sequence change replaces arginine, which is basic and polar, with cysteine, which is neutral and slightly polar, at codon 17 of the TCAP protein (p.Arg17Cys). This variant is present in population databases (no rsID available, gnomAD 0.007%). This variant has not been reported in the literature in individuals affected with TCAP-related conditions. ClinVar contains an entry for this variant (Variation ID: 222830). An algorithm developed to predict the effect of missense changes on protein structure and function (PolyPhen-2) suggests that this variant is likely to be tolerated. Algorithms developed to predict the effect of sequence changes on RNA splicing suggest that this variant may disrupt the consensus splice site. In summary, the available evidence is currently insufficient to determine the role of this variant in disease. Therefore, it has been classified as a Variant of Uncertain Significance.

Blueprint Genetics
Classification: Uncertain significance. Last evaluated: 2024-10-30. Review status: criteria provided, single submitter. Criteria: ACMG Guidelines, 2015. Collection method: clinical testing. Allele origin: germline.

Ambry Genetics
Classification: Uncertain significance for Cardiovascular phenotype. Last evaluated: 2024-08-07. Review status: criteria provided, single submitter. Criteria: Ambry Variant Classification Scheme 2023. Collection method: clinical testing. Allele origin: germline.
Comment: The p.R17C variant (also known as c.49C>T), located in coding exon 1 of the TCAP gene, results from a C to T substitution at nucleotide position 49. The arginine at codon 17 is replaced by cysteine, an amino acid with highly dissimilar properties. This amino acid position is well conserved in available vertebrate species; however, cysteine is the reference amino acid in other vertebrate species. In addition, the in silico prediction for this alteration is inconclusive. Since supporting evidence is limited at this time, the clinical significance of this alteration remains unclear.

Revvity Omics, Revvity
Classification: Uncertain significance. Last evaluated: 2020-09-15. Review status: criteria provided, single submitter. Criteria: ACMG Guidelines, 2015. Collection method: clinical testing. Allele origin: germline.